The following continues an entry in ClinVar:

NM_007294.4(BRCA1):c.1961dup (p.Tyr655fs)

Gene: BRCA1. ClinVar aggregate classification (germline): Pathogenic. Pathogenic (1).

Submissions 10 to 25 of 25:

Color Diagnostics, LLC DBA Color Health
Classification: Pathogenic for Hereditary cancer-predisposing syndrome. Last evaluated: 2024-04-18. Review status: criteria provided, single submitter. Criteria: ACMG Guidelines, 2015. Collection method: clinical testing. Allele origin: germline. Not counted in ClinVar's aggregate classification.
Comment: This variant inserts 1 nucleotide in exon 10 of the BRCA1 gene, creating a frameshift and premature translation stop signal. This variant is also known as 2080insA and c.1961insA in the literature. This variant is expected to result in an absent or non-functional protein product. To our knowledge, functional studies have not been reported for this variant. This variant has been observed in multiple individuals and families affected with breast and/or ovarian cancer (PMID: 7837387, 12181777, 17688236, 18340530, 21324516, 22970155, 24728189, 31161121). This variant also has been reported in individuals affected with prostate and renal cell carcinoma (PMID: 21751003, 22516946). This variant has been identified in 3/250730 chromosomes in the general population by the Genome Aggregation Database (gnomAD). Loss of BRCA1 function is a known mechanism of disease. Based on the available evidence, this variant is classified as Pathogenic.

GeneDx
Classification: Pathogenic. Last evaluated: 2023-03-08. Review status: criteria provided, single submitter. Criteria: GeneDx Variant Classification Process June 2021. Collection method: clinical testing. Allele origin: germline. Affected: yes. Not counted in ClinVar's aggregate classification.
Comment: Frameshift variant predicted to result in protein truncation in a gene for which loss-of-function is a known mechanism of disease; Observed in individuals with personal and/or family history consistent with pathogenic variants in this gene (Shattuck-Eidens 1995, Liede 2002, Alansari 2009, Zhang 2011, Couch 2015, Kim 2019); Truncating variants in this gene are considered pathogenic by a well-established clinical consortium and/or database; Not observed at significant frequency in large population cohorts (gnomAD); Also known as 2080dupA; This variant is associated with the following publications: (PMID: 8807330, 21324516, 27509926, 28559958, 34657373, 29470806, 29339979, 28918466, 29922827, 27157322, 7837387, 22516946, 26010302, 25884701, 25452441, 18340530, 12181777, 21751003, 21559243, 16905680, 26723226, 30702160, 30078507, 28176296, 30720243, 28724667, 29909963, 30678073, 31161121, 30199306, 31528241, 33054725, 32581362, 26577449, 31825140, 32885271, 33758026, 35273153)

Women's Health and Genetics/Laboratory Corporation of America, LabCorp
Classification: Pathogenic for Hereditary breast ovarian cancer syndrome. Last evaluated: 2023-02-27. Review status: criteria provided, single submitter. Criteria: LabCorp Variant Classification Summary - May 2015. Collection method: clinical testing. Allele origin: germline. Not counted in ClinVar's aggregate classification.
Comment: Variant summary: BRCA1 c.1961dupA (p.Tyr655ValfsX18) results in a premature termination codon, predicted to cause a truncation of the encoded protein or absence of the protein due to nonsense mediated decay, which are commonly known mechanisms for disease. Truncations downstream of this position have been classified as pathogenic by our laboratory. The variant allele was found at a frequency of 1.2e-05 in 250730 control chromosomes. c.1961dupA has been reported in the literature in multiple individuals affected with Hereditary Breast And Ovarian Cancer Syndrome or Prostate Cancer (e.g. Shaltuck-Eidens_1995, Ramus_2007, Song_2014, Zhang_2011, Liede_2002, Leongamornlert_2012, Rebbeck_2018). These data indicate that the variant is very likely to be associated with disease. To our knowledge, no experimental evidence demonstrating an impact on protein function has been reported. 12 submitters, including an expert panel (ENIGMA), have provided clinical-significance assessments for this variant to ClinVar after 2014, and all classified the variant as pathogenic/likely pathogenic. Based on the evidence outlined above, the variant was classified as pathogenic.

Quest Diagnostics Nichols Institute San Juan Capistrano
Classification: Pathogenic. Last evaluated: 2023-01-04. Review status: criteria provided, single submitter. Criteria: Quest Diagnostics criteria. Collection method: clinical testing. Allele origin: unknown. Not counted in ClinVar's aggregate classification.
Comment: This frameshift variant alters the translational reading frame of the BRCA1 mRNA and causes the premature termination of BRCA1 protein synthesis. The frequency of this variant in the general population, 0.000098 (3/30596 chromosomes), is consistent with pathogenicity. In the published literature, the variant has been reported in individuals/families with breast and/or ovarian cancer (PMID: 28724667 (2017), 25452441 (2015), 24728189 (2014), 22970155 (2012), 21324516 (2011), 18340530 (2009), 17688236 (2007), 12181777 (2002), 7837387 (1995)), prostate cancer (PMID: 23569316 (2013), 22516946 (2012)), or renal cell carcinoma (RCC) (PMID: 21751003 (2011)). Based on the available information, this variant is classified as pathogenic.

Baylor Genetics
Classification: Pathogenic for Breast-ovarian cancer, familial, susceptibility to, 1. Last evaluated: 2022-04-29. Review status: criteria provided, single submitter. Criteria: ACMG Guidelines, 2015. Collection method: clinical testing. Allele origin: unknown. Not counted in ClinVar's aggregate classification.

3DMed Clinical Laboratory Inc
Classification: Pathogenic for Ovarian cancer. Last evaluated: 2018-04-08. Review status: criteria provided, single submitter. Criteria: ACMG Guidelines, 2015. Collection method: clinical testing. Allele origin: germline. Affected: yes. Not counted in ClinVar's aggregate classification.

Academic Department of Medical Genetics, University of Cambridge
Classification: Likely pathogenic for Hereditary cancer-predisposing syndrome. Last evaluated: 2018-01-26. Review status: criteria provided, single submitter. Criteria: ACMG Guidelines, 2015. Collection method: research. Allele origin: germline. Affected: yes. Observed: 1 heterozygote. Not counted in ClinVar's aggregate classification.
Comment: Application of AMCG guidelines 2015. Used other ClinVar submission evidence where relevant. Loss of heterozygosity in tumours or immunohistochemistry abnormalities considered functional evidence of pathogenicity.

Identified as part of research study of individuals with multiple primary tumours referred for genetic assessment

Clinical Genetics and Genomics, Karolinska University Hospital
Classification: Pathogenic. Last evaluated: 2018-01-16. Review status: criteria provided, single submitter. Criteria: ACMG Guidelines, 2015. Collection method: clinical testing. Allele origin: germline. Affected: yes. Observed: 3 variant alleles. Not counted in ClinVar's aggregate classification.

Department of Pathology and Laboratory Medicine, Sinai Health System
Classification: Pathogenic for Hereditary breast ovarian cancer syndrome. Last evaluated: 2016-09-23. Review status: criteria provided, single submitter. Criteria: ACMG Guidelines, 2015. Collection method: clinical testing. Allele origin: germline. Affected: yes. Study: The Canadian Open Genetics Repository (COGR). Not counted in ClinVar's aggregate classification.

Consortium of Investigators of Modifiers of BRCA1/2 (CIMBA), c/o University of Cambridge
Classification: Pathogenic for Breast-ovarian cancer, familial, susceptibility to, 1. Last evaluated: 2015-10-02. Review status: criteria provided, single submitter. Criteria: CIMBA Mutation Classification guidelines May 2016. Collection method: clinical testing. Allele origin: germline. Not counted in ClinVar's aggregate classification.

Department of Medical Genetics, Oslo University Hospital
Classification: Pathogenic for Breast-ovarian cancer, familial, susceptibility to, 1. Last evaluated: 2015-07-01. Review status: criteria provided, single submitter. Criteria: ACMG Guidelines, 2015. Collection method: clinical testing. Allele origin: germline. Affected: yes. Observed: 1 variant allele. Not counted in ClinVar's aggregate classification.

BRCAlab, Lund University
Classification: Pathogenic for Breast-ovarian cancer, familial, susceptibility to, 1. Last evaluated: 2022-08-26. Review status: no assertion criteria provided. Collection method: clinical testing. Allele origin: germline. Affected: yes. Not counted in ClinVar's aggregate classification.

Research Molecular Genetics Laboratory, Women's College Hospital, University of Toronto
Classification: Pathogenic for Hereditary breast ovarian cancer syndrome. Last evaluated: 2014-01-31. Review status: no assertion criteria provided. Collection method: research. Allele origin: germline. Affected: yes. Study: The Canadian Open Genetics Repository (COGR). Not counted in ClinVar's aggregate classification.

Foulkes Cancer Genetics LDI, Lady Davis Institute for Medical Research
Classification: Pathogenic for Breast and/or ovarian cancer. Last evaluated: 2014-01-13. Review status: no assertion criteria provided. Collection method: clinical testing. Allele origin: germline. Study: The Canadian Open Genetics Repository (COGR). Not counted in ClinVar's aggregate classification.

Sharing Clinical Reports Project (SCRP)
Classification: Pathogenic for Breast-ovarian cancer, familial 1. Last evaluated: 2010-07-28. Review status: no assertion criteria provided. Collection method: clinical testing. Allele origin: germline. Not counted in ClinVar's aggregate classification.

Breast Cancer Information Core (BIC) (BRCA1)
Classification: Pathogenic for Breast-ovarian cancer, familial 1. Last evaluated: 2002-05-29. Review status: no assertion criteria provided. Collection method: clinical testing. Allele origin: germline, somatic. Affected: yes. Observed: 14 variant alleles. Not counted in ClinVar's aggregate classification.

Literature cited by the submitters: PubMed 32375709 (cited by Dasa); PubMed 21989022 (cited by Dasa); PubMed 11802209 (cited by Dasa); PubMed 20104584 (cited by Labcorp Genetics (formerly Invitae), Labcorp); PubMed 7837387 (cited by 8 submitters); PubMed 21324516 (cited by 8 submitters); PubMed 21559243 (cited by Labcorp Genetics (formerly Invitae), Labcorp and Quest Diagnostics Nichols Institute San Juan Capistrano); PubMed 22516946 (cited by 8 submitters); PubMed 22970155 (cited by 4 submitters); PubMed 8807330 (cited by Ambry Genetics and Quest Diagnostics Nichols Institute San Juan Capistrano); PubMed 25452441 (cited by Ambry Genetics and Quest Diagnostics Nichols Institute San Juan Capistrano); PubMed 12181777 (cited by 6 submitters); PubMed 31161121 (cited by 3 submitters); PubMed 17688236 (cited by 4 submitters); PubMed 18340530 (cited by 4 submitters); PubMed 21751003 (cited by 4 submitters); PubMed 24728189 (cited by 4 submitters); PubMed 29446198 (cited by Women's Health and Genetics/Laboratory Corporation of America, LabCorp); PubMed 28724667 (cited by Quest Diagnostics Nichols Institute San Juan Capistrano); PubMed 27509926 (cited by Quest Diagnostics Nichols Institute San Juan Capistrano); PubMed 27157322 (cited by Quest Diagnostics Nichols Institute San Juan Capistrano); PubMed 26295337 (cited by Quest Diagnostics Nichols Institute San Juan Capistrano); PubMed 25884701 (cited by Quest Diagnostics Nichols Institute San Juan Capistrano); PubMed 23569316 (cited by Quest Diagnostics Nichols Institute San Juan Capistrano and Department of Pathology and Laboratory Medicine, Sinai Health System); PubMed 21702907 (cited by Quest Diagnostics Nichols Institute San Juan Capistrano); PubMed 16905680 (cited by Quest Diagnostics Nichols Institute San Juan Capistrano); PubMed 15145354 (cited by 3DMed Clinical Laboratory Inc).